The following is an entry in ClinVar:

NM_006767.4(LZTR1):c.200G>A (p.Arg67Gln)

Gene: LZTR1 (leucine zipper like post translational regulator 1; plus strand). Cytogenetic location: 22q11.21.
Variant type: single nucleotide variant.
Coding change: c.200G>A on transcript NM_006767.4 (MANE Select); coding-DNA position 200, G replaced by A.
Protein change: p.Arg67Gln; replaces arginine 67 with glutamine.
Molecular consequence: missense variant.
Genome position (GRCh38, 1-based): chr22:20,982,571, G>A. VCF-style: chr22-20982571-G-A. GRCh37 (hg19) VCF-style: chr22-21336860-G-A.
Other names: short protein forms R67Q.
Identifiers: ClinVar variation 4101836 (VCV004101836.2).
Genomic context (GRCh38, chr22:20,982,571, plus strand): 5'-CCTTCGAAACAGTGCATCGCTGGCGGCGCCTCCCGCCCTGCGACGAGTTCGTGGGTGCCC[G>A]GTACGGTGGGCTTCATGGGGTCCTGAGGACAGGAAGGGCGATCTGCGAGGGTCCCAGGGC-3'
Protein context (NP_006758.2, residues 57-77): LPPCDEFVGA[Arg67Gln]RSKHTVVAYK

ClinVar aggregate classification (germline): Uncertain significance. Review status: criteria provided, multiple submitters, no conflicts (2 of 4 stars). 2 submissions from 2 submitters: Uncertain significance (2). Last evaluated 2025-06-18.

Conditions:
Cardiovascular phenotype. Identifiers: MedGen CN230736.
Hereditary cancer-predisposing syndrome. Also called: Neoplastic Syndromes, Hereditary; Tumor predisposition; Hereditary neoplastic syndrome; Hereditary Cancer Syndrome. Identifiers: Orphanet 140162, MedGen C0027672, MeSH D009386, MONDO:0015356.

gnomAD v4.1: 5 of 1,611,004 alleles (0.00031%); highest among the groups gnomAD compares: Non-Finnish European, 0.00042%; no homozygotes.

Submissions (2):

Ambry Genetics
Classification: Uncertain significance for Cardiovascular phenotype; Hereditary cancer-predisposing syndrome. Last evaluated: 2025-06-18. Review status: criteria provided, single submitter. Criteria: Ambry Variant Classification Scheme 2023. Collection method: clinical testing. Allele origin: germline.
Comment: The p.R67Q variant (also known as c.200G>A), located in coding exon 1 of the LZTR1 gene, results from a G to A substitution at nucleotide position 200. The amino acid change results in arginine to glutamine at codon 67, an amino acid with highly similar properties. However, this change occurs in the last base pair of coding exon 1, which makes it likely to have some effect on normal mRNA splicing. This nucleotide position is highly conserved in available vertebrate species. This amino acid position is highly conserved in available vertebrate species. In silico splice site analysis predicts that this alteration will result in the creation or strengthening of a novel splice donor site. In addition, as a missense substitution this is predicted to be inconclusive by in silico analysis. Based on the available evidence, the clinical significance of this variant remains unclear.

Blueprint Genetics
Classification: Uncertain significance. Last evaluated: 2020-08-18. Review status: criteria provided, single submitter. Criteria: ACMG Guidelines, 2015. Collection method: clinical testing. Allele origin: germline.